The following is an entry in ClinVar:

NM_002485.5(NBN):c.2071-5_2071del

Gene: NBN (nibrin; minus strand). Cytogenetic location: 8q21.3.
Variant type: Deletion.
Coding change: c.2071-5_2071del on transcript NM_002485.5 (MANE Select); 5 bases into the intron before coding-DNA position 2071 through coding-DNA position 2071, 6 bases deleted (AATAGG; older notation c.2071-5_2071delAATAGG).
Molecular consequence: splice acceptor variant.
Genome position (GRCh38, 1-based): chr8:89,943,366-89,943,371, CCTATT deleted on the plus strand (AATAGG on the coding strand, the reverse complement: NBN is on the minus strand). VCF-style (leftmost placement, unchanged base first): chr8-89943365-ACCTATT-A. GRCh37 (hg19) VCF-style: chr8-90955593-ACCTATT-A.
Other names: c.1825-5_1825del (NM_001024688.3).
Identifiers: ClinVar variation 3222424 (VCV003222424.1), dbSNP rs2488192128, ClinGen allele CA2825001598.

ClinVar aggregate classification (germline): Uncertain significance (1 of 4 stars; one submission).

Conditions:
Hereditary cancer-predisposing syndrome. Also called: Tumor predisposition; Hereditary neoplastic syndrome; Hereditary Cancer Syndrome; Neoplastic Syndromes, Hereditary. Identifiers: Orphanet 140162, MedGen C0027672, MeSH D009386, MONDO:0015356.

Submission:

Ambry Genetics
Classification: Uncertain significance for Hereditary cancer-predisposing syndrome. Last evaluated: 2024-02-15. Review status: criteria provided, single submitter. Criteria: Ambry Variant Classification Scheme 2023. Collection method: clinical testing. Allele origin: germline.
Comment: The c.2071-5_2071delAATAGG intronic variant begins 5 nucleotide(s) before coding exon 14 in the NBN gene. This variant results from a deletion of 6 nucleotides at positions c.2071-5 to c.2071. Alterations that disrupt the canonical splice site are expected to result in aberrant splicing. In silico splice site analysis predicts that this alteration will weaken the native splice acceptor site and may result in the creation or strengthening of a novel splice acceptor site. The resulting transcript is predicted to be in-frame and is not expected to trigger nonsense-mediated mRNA decay; however, direct evidence is unavailable. The exact functional effect of the altered amino acid sequence is unknown. This nucleotide region is well conserved in available vertebrate species. Based on the available evidence, the clinical significance of this alteration remains unclear.